The following is an entry in ClinVar:

NM_000234.3(LIG1):c.284C>T (p.Pro95Leu)

Gene: LIG1 (DNA ligase 1; minus strand). Cytogenetic location: 19q13.33.
Variant type: single nucleotide variant.
Coding change: c.284C>T on transcript NM_000234.3 (MANE Select); coding-DNA position 284, C replaced by T.
Protein change: p.Pro95Leu; replaces proline 95 with leucine.
Molecular consequence: missense variant. On other transcripts: non-coding transcript variant (6).
Genome position (GRCh38, 1-based): chr19:48,157,100, G>A on the plus strand (C>T on the coding strand, the complement: LIG1 is on the minus strand). VCF-style: chr19-48157100-G-A. GRCh37 (hg19) VCF-style: chr19-48660357-G-A.
Other names: c.194C>T, p.Pro65Leu (NM_001289063.2, NM_001320971.2); c.284C>T, p.Pro95Leu (NM_001289064.2, NM_001320970.2); short protein forms P65L, P95L.
Identifiers: ClinVar variation 2045798 (VCV002045798.1), dbSNP rs747570569, ClinGen allele CA9547366.

ClinVar aggregate classification (germline): Uncertain significance (1 of 4 stars; one submission).

Allele frequency attached by ClinVar (database versions not stated): gnomAD exomes 0.00002; TOPMed 0.00002; ExAC 0.00006.

Submission:

Labcorp Genetics (formerly Invitae), Labcorp
Classification: Uncertain significance. Last evaluated: 2022-08-12. Review status: criteria provided, single submitter. Criteria: Invitae Variant Classification Sherloc (09022015). Collection method: clinical testing. Allele origin: germline.
Comment: This sequence change replaces proline, which is neutral and non-polar, with leucine, which is neutral and non-polar, at codon 95 of the LIG1 protein (p.Pro95Leu). This variant is present in population databases (rs747570569, gnomAD 0.04%). This variant has not been reported in the literature in individuals affected with LIG1-related conditions. Algorithms developed to predict the effect of missense changes on protein structure and function output the following: SIFT: "Tolerated"; PolyPhen-2: "Benign"; Align-GVGD: "Class C0". The leucine amino acid residue is found in multiple mammalian species, which suggests that this missense change does not adversely affect protein function. In summary, the available evidence is currently insufficient to determine the role of this variant in disease. Therefore, it has been classified as a Variant of Uncertain Significance.